The following is an entry in ClinVar:

NM_001080472.4(FITM2):c.353C>T (p.Thr118Met)

Gene: FITM2 (fat storage inducing transmembrane protein 2; minus strand). Cytogenetic location: 20q13.12.
Variant type: single nucleotide variant.
Coding change: c.353C>T on transcript NM_001080472.4 (MANE Select); coding-DNA position 353, C replaced by T.
Protein change: p.Thr118Met; replaces threonine 118 with methionine.
Molecular consequence: missense variant.
Genome position (GRCh38, 1-based): chr20:44,307,061, G>A on the plus strand (C>T on the coding strand, the complement: FITM2 is on the minus strand). VCF-style: chr20-44307061-G-A. GRCh37 (hg19) VCF-style: chr20-42935701-G-A.
Other names: c.353C>T (NM_001080472.3); short protein forms T118M.
Identifiers: ClinVar variation 1697128 (VCV001697128.6), dbSNP rs147373369, ClinGen allele CA9869612.
Genomic context (GRCh38, chr20:44,307,061, plus strand): 5'-TGCTTGCTCTGGTGTTCCTTTCTGACCCCCTCCAGGGCTGGGGACTGGTAGCAGCTGCCC[G>A]TGTAGTGTTCGATGTTGGAGAAGATGGAGGTGCAGATGTACCAGATGGCCGTGCCCACAA-3'
Protein context (NP_001073941.1, residues 108-128): TSIFSNIEHY[Thr118Met]GSCYQSPALE

ClinVar aggregate classification (germline): Uncertain significance. Review status: criteria provided, multiple submitters, no conflicts (2 of 4 stars). 3 submissions from 3 submitters: Uncertain significance (3). Last evaluated 2026-08-06.

Conditions:
FITM2-related disorder. Also called: FITM2-related condition.

Allele frequency attached by ClinVar (database versions not stated): gnomAD exomes 0.00021 and 0.00032; ExAC 0.00029; ESP Exome Variant Server 0.00031; gnomAD 0.00060 and 0.00061; 1000 Genomes Project 0.00080; 1000 Genomes Project 30x 0.00094; TOPMed 0.00106.
gnomAD v4.1: 432 of 1,614,176 alleles (0.027%); highest among the groups gnomAD compares: Middle Eastern, 0.33%; 1 homozygote.

Submissions (3):

OLLIN Analises Genomicas, OLLIN
Classification: Uncertain significance. Last evaluated: 2026-08-06. Review status: criteria provided, single submitter. Criteria: ACMG Guidelines 2015 PMID 25741868. Collection method: clinical testing. Allele origin: germline.
Comment: This missense variant, located in exon 2 (of 2), has been reported in ClinVar (accession VCV001697128.5) and in gnomAD with an allele frequency of 0.027%. However, to our knowledge, it has not been reported in the scientific literature. In silico analysis is inconclusive regarding the impact of this variant. According to the currently available evidence, this variant has been classified as uncertain significance (BS2).

PreventionGenetics, part of Exact Sciences
Classification: Uncertain significance for FITM2-related condition. Last evaluated: 2026-07-27. Review status: criteria provided, single submitter. Criteria: ACMG Guidelines, 2015. Collection method: clinical testing. Allele origin: germline.
Comment: The FITM2 c.353C>T variant is predicted to result in the amino acid substitution p.Thr118Met. To our knowledge, this variant has not been reported in the literature. This variant is reported in 0.093% of alleles in individuals of Latino descent in gnomAD, which may be too frequent to be a primary cause of disease. Although we suspect that this variant may be benign, at this time, the clinical significance of this variant is uncertain due to the absence of conclusive functional and genetic evidence.

GeneDx
Classification: Uncertain significance. Last evaluated: 2026-01-23. Review status: criteria provided, single submitter. Criteria: GeneDx Variant Classification Process June 2021. Collection method: clinical testing. Allele origin: germline. Affected: yes.
Comment: In silico analysis supports that this missense variant has a deleterious effect on protein structure/function; Has not been previously published as pathogenic or benign to our knowledge